The following is an entry in ClinVar:

ClinVar aggregate classification (germline): Likely pathogenic (1 of 4 stars; one submission).

Conditions:
MHC class II deficiency. Also called: Bare lymphocyte syndrome 2; BLS, TYPE II. Identifiers: Orphanet 572, MedGen C5447452, MONDO:0008855.

Submission:

Women's Health and Genetics/Laboratory Corporation of America, LabCorp
Classification: Likely pathogenic for MHC class II deficiency. Last evaluated: 2022-02-18. Review status: criteria provided, single submitter. Criteria: LabCorp Variant Classification Summary - May 2015. Collection method: clinical testing. Allele origin: germline.
Comment: Variant summary: RFXAP c.39_40insAC (p.Ala14ThrfsX12) results in a premature termination codon, predicted to cause a truncation of the encoded protein or absence of the protein due to nonsense mediated decay, which are commonly known mechanisms for disease. The variant was absent in 7372 control chromosomes (gnomAD). To our knowledge, no occurrence of c.39_40insAC in individuals affected with Bare Lymphocyte Syndrome 2 - RFXAP Related and no experimental evidence demonstrating its impact on protein function have been reported. No clinical diagnostic laboratories have submitted clinical-significance assessments for this variant to ClinVar after 2014. Based on the evidence outlined above, the variant was classified as likely pathogenic.

NM_000538.4(RFXAP):c.39_40insAC (p.Ala14fs)

Genes: RFXAP (regulatory factor X associated protein; plus strand), LOC130009573 (ATAC-STARR-seq lymphoblastoid silent region 5267; plus strand). Cytogenetic location: 13q13.3.
Variant type: Insertion.
Coding change: c.39_40insAC on transcript NM_000538.4 (MANE Select); coding-DNA positions 39 to 40, AC inserted.
Protein change: p.Ala14fs; shifts the reading frame from alanine 14.
Molecular consequence: frameshift variant.
Genome position: GRCh38 VCF-style: chr13-36819395-G-GCA. GRCh37 (hg19) VCF-style: chr13-37393532-G-GCA.
Other names: short protein forms A14fs.
Identifiers: ClinVar variation 1343495 (VCV001343495.1), dbSNP rs2138212278, ClinGen allele CA2573053834.